The following is an entry in ClinVar:

NM_000285.4(PEPD):c.442-1G>C

Gene: PEPD (peptidase D; minus strand). Cytogenetic location: 19q13.11.
Variant type: single nucleotide variant.
Coding change: c.442-1G>C on transcript NM_000285.4 (MANE Select); the canonical splice acceptor site of the intron before coding-DNA position 442, G replaced by C.
Molecular consequence: splice acceptor variant.
Genome position (GRCh38, 1-based): chr19:33,490,058, C>G on the plus strand (G>C on the coding strand, the complement: PEPD is on the minus strand). VCF-style: chr19-33490058-C-G. GRCh37 (hg19) VCF-style: chr19-33980964-C-G.
Other names: c.250-1G>C (NM_001166057.2); c.442-1G>C (NM_001166056.2).
Identifiers: ClinVar variation 2754795 (VCV002754795.4), dbSNP rs907881705, ClinGen allele CA405230984.

ClinVar aggregate classification (germline): Pathogenic/Likely pathogenic. Review status: criteria provided, multiple submitters, no conflicts (2 of 4 stars). 2 submissions from 2 submitters: Pathogenic (1); Likely pathogenic (1). Last evaluated 2023-08-24.

Conditions:
Prolidase deficiency. Identifiers: Orphanet 742, MedGen C0268532, MONDO:0008221, OMIM 170100.

Submissions (2):

Labcorp Genetics (formerly Invitae), Labcorp
Classification: Likely pathogenic. Last evaluated: 2023-08-24. Review status: criteria provided, single submitter. Criteria: Invitae Variant Classification Sherloc (09022015). Collection method: clinical testing. Allele origin: germline.
Comment: This sequence change affects an acceptor splice site in intron 5 of the PEPD gene. It is expected to disrupt RNA splicing. Variants that disrupt the donor or acceptor splice site typically lead to a loss of protein function (PMID: 16199547), and loss-of-function variants in PEPD are known to be pathogenic (PMID: 8198124, 10721675, 12384772, 17142620). This variant is not present in population databases (gnomAD no frequency). This variant has not been reported in the literature in individuals affected with PEPD-related conditions. Algorithms developed to predict the effect of sequence changes on RNA splicing suggest that this variant may disrupt the consensus splice site. In summary, the currently available evidence indicates that the variant is pathogenic, but additional data are needed to prove that conclusively. Therefore, this variant has been classified as Likely Pathogenic.

Neuberg Centre For Genomic Medicine, NCGM
Classification: Pathogenic for Prolidase deficiency. Last evaluated: 2023-06-22. Review status: criteria provided, single submitter. Criteria: ACMG Guidelines, 2015. Collection method: clinical testing. Allele origin: germline. Inheritance: Autosomal recessive inheritance. Affected: yes.
Comment: The invariant splice acceptor variant c.442-1G>C in PEPD gene has not been reported previously as a pathogenic variant

Literature cited by the submitters: PubMed 16199547 (cited by Labcorp Genetics (formerly Invitae), Labcorp); PubMed 8198124 (cited by Labcorp Genetics (formerly Invitae), Labcorp); PubMed 10721675 (cited by Labcorp Genetics (formerly Invitae), Labcorp); PubMed 12384772 (cited by Labcorp Genetics (formerly Invitae), Labcorp); PubMed 17142620 (cited by Labcorp Genetics (formerly Invitae), Labcorp).